The following is an entry in ClinVar:

ClinVar aggregate classification (germline): Uncertain significance. Review status: criteria provided, multiple submitters, no conflicts (2 of 4 stars). 4 submissions from 4 submitters: Uncertain significance (4). Last evaluated 2026-03-03.

Conditions:
Familial cancer of breast. Also called: Hereditary breast cancer; BREAST CANCER, FAMILIAL; hereditary breast carcinoma. Identifiers: Orphanet 227535, MedGen C0346153, MONDO:0016419, OMIM 114480. Disease mechanism: loss of function.
Hereditary cancer-predisposing syndrome. Also called: Hereditary Cancer Syndrome; Tumor predisposition; Neoplastic Syndromes, Hereditary; Hereditary neoplastic syndrome. Identifiers: Orphanet 140162, MedGen C0027672, MeSH D009386, MONDO:0015356.

Allele frequency attached by ClinVar (database versions not stated): TOPMed 0.00001.

Submissions (4):

Ambry Genetics
Classification: Uncertain significance for Hereditary cancer-predisposing syndrome. Last evaluated: 2026-03-03. Review status: criteria provided, single submitter. Criteria: Ambry Variant Classification Scheme 2023. Collection method: clinical testing. Allele origin: germline.

Labcorp Genetics (formerly Invitae), Labcorp
Classification: Uncertain significance for Familial cancer of breast. Last evaluated: 2026-01-21. Review status: criteria provided, single submitter. Criteria: Invitae Variant Classification Sherloc (09022015). Collection method: clinical testing. Allele origin: germline.
Comment: This sequence change replaces threonine, which is neutral and polar, with isoleucine, which is neutral and non-polar, at codon 246 of the PALB2 protein (p.Thr246Ile). This variant is not present in population databases (gnomAD no frequency). This missense change has been observed in individual(s) with personal or family history of breast and/or ovarian cancer (PMID: 36315513). ClinVar contains an entry for this variant (Variation ID: 827001). An algorithm developed to predict the effect of missense changes on protein structure and function (PolyPhen-2) suggests that this variant is likely to be tolerated. In summary, the available evidence is currently insufficient to determine the role of this variant in disease. Therefore, it has been classified as a Variant of Uncertain Significance.

Center for Genomic Medicine, Rigshospitalet, Copenhagen University Hospital
Classification: Uncertain significance. Last evaluated: 2025-03-04. Review status: criteria provided, single submitter. Criteria: ACMG Guidelines, 2015. Collection method: clinical testing. Allele origin: germline.

Women's Health and Genetics/Laboratory Corporation of America, LabCorp
Classification: Uncertain significance. Last evaluated: 2023-05-23. Review status: criteria provided, single submitter. Criteria: LabCorp Variant Classification Summary - May 2015. Collection method: clinical testing. Allele origin: germline.
Comment: Variant summary: PALB2 c.737C>T (p.Thr246Ile) results in a non-conservative amino acid change in the encoded protein sequence. Four of five in-silico tools predict a benign effect of the variant on protein function. The variant was absent in 251244 control chromosomes (gnomAD). The available data on variant occurrences in the general population are insufficient to allow any conclusion about variant significance. c.737C>T has been reported in the literature in a setting of multigene panel testing in an individual affected with and/or a family history of breast cancer (McDonald_2022). This report does not provide unequivocal conclusions about association of the variant with Hereditary Breast And Ovarian Cancer Syndrome. To our knowledge, no experimental evidence demonstrating an impact on protein function has been reported. The following publication has been ascertained in the context of this evaluation (PMID: 36315513). Three clinical diagnostic laboratories have submitted clinical-significance assessments for this variant to ClinVar after 2014 and all classified the variant as uncertain significance. Based on the evidence outlined above, the variant was classified as uncertain significance.

Literature cited by the submitters: PubMed 36315513 (cited by Labcorp Genetics (formerly Invitae), Labcorp and Women's Health and Genetics/Laboratory Corporation of America, LabCorp).

NM_024675.4(PALB2):c.737C>T (p.Thr246Ile)

Gene: PALB2 (partner and localizer of BRCA2; minus strand). Cytogenetic location: 16p12.2.
Variant type: single nucleotide variant.
Coding change: c.737C>T on transcript NM_024675.4 (MANE Select); coding-DNA position 737, C replaced by T.
Protein change: p.Thr246Ile; replaces threonine 246 with isoleucine.
Molecular consequence: missense variant.
Genome position (GRCh38, 1-based): chr16:23,635,809, G>A on the plus strand (C>T on the coding strand, the complement: PALB2 is on the minus strand). VCF-style: chr16-23635809-G-A. GRCh37 (hg19) VCF-style: chr16-23647130-G-A.
Other names: short protein forms T246I.
Identifiers: ClinVar variation 827001 (VCV000827001.24), dbSNP rs1597098443, ClinGen allele CA395136240.